The following is an entry in ClinVar:

NM_020812.4(DOCK6):c.3124A>G (p.Met1042Val)

Gene: DOCK6 (dedicator of cytokinesis 6; minus strand). Cytogenetic location: 19p13.2.
Variant type: single nucleotide variant.
Coding change: c.3124A>G on transcript NM_020812.4 (MANE Select); coding-DNA position 3124, A replaced by G.
Protein change: p.Met1042Val; replaces methionine 1042 with valine.
Molecular consequence: missense variant.
Genome position (GRCh38, 1-based): chr19:11,222,851, T>C on the plus strand (A>G on the coding strand, the complement: DOCK6 is on the minus strand). VCF-style: chr19-11222851-T-C. GRCh37 (hg19) VCF-style: chr19-11333527-T-C.
Other names: c.3229A>G, p.Met1077Val (NM_001367830.1); c.3124A>G (NM_020812.2); short protein forms M1077V, M1042V.
Identifiers: ClinVar variation 1986732 (VCV001986732.2), dbSNP rs760863631, ClinGen allele CA9207349.

ClinVar aggregate classification (germline): Uncertain significance. Review status: criteria provided, multiple submitters, no conflicts (2 of 4 stars). 2 submissions from 2 submitters: Uncertain significance (2). Last evaluated 2024-11-09.

Conditions:
Inborn genetic diseases. Identifiers: MedGen C0950123, MeSH D030342.

Allele frequency attached by ClinVar (database versions not stated): gnomAD exomes 0.00001; ExAC 0.00003.

Submissions (2):

Ambry Genetics
Classification: Uncertain significance for Inborn genetic diseases. Last evaluated: 2024-11-09. Review status: criteria provided, single submitter. Criteria: Ambry Variant Classification Scheme 2023. Collection method: clinical testing. Allele origin: germline.

Labcorp Genetics (formerly Invitae), Labcorp
Classification: Uncertain significance. Last evaluated: 2021-12-28. Review status: criteria provided, single submitter. Criteria: Invitae Variant Classification Sherloc (09022015). Collection method: clinical testing. Allele origin: germline.
Comment: This sequence change replaces methionine, which is neutral and non-polar, with valine, which is neutral and non-polar, at codon 1042 of the DOCK6 protein (p.Met1042Val). This variant is present in population databases (rs760863631, gnomAD 0.006%). This variant has not been reported in the literature in individuals affected with DOCK6-related conditions. Algorithms developed to predict the effect of missense changes on protein structure and function output the following: SIFT: "Tolerated"; PolyPhen-2: "Benign"; Align-GVGD: "Class C0". The valine amino acid residue is found in multiple mammalian species, which suggests that this missense change does not adversely affect protein function. In summary, the available evidence is currently insufficient to determine the role of this variant in disease. Therefore, it has been classified as a Variant of Uncertain Significance.